The following is an entry in ClinVar:

NM_003906.5(MCM3AP):c.5296+17dup

Genes: MCM3AP (minichromosome maintenance complex component 3 associated protein; minus strand), MCM3AP-AS1 (MCM3AP antisense RNA 1; plus strand). Cytogenetic location: 21q22.3.
Variant type: Duplication.
Coding change: c.5296+17dup on transcript NM_003906.5 (MANE Select); 17 bases into the intron after coding-DNA position 5296, one base duplicated (G; older notation c.5296+17dupG).
Molecular consequence: intron variant.
Genome position (GRCh38, 1-based): chr21:46,243,448, C duplicated on the plus strand (G on the coding strand, the reverse complement: MCM3AP is on the minus strand). VCF-style (leftmost placement, unchanged base first): chr21-46243447-G-GC. GRCh37 (hg19) VCF-style: chr21-47663361-G-GC.
Other names: c.5296+17dupG (NM_003906.5).
Identifiers: ClinVar variation 3768753 (VCV003768753.1).

ClinVar aggregate classification (germline): Likely benign (1 of 4 stars; one submission).

Submission:

Women's Health and Genetics/Laboratory Corporation of America, LabCorp
Classification: Likely benign. Last evaluated: 2025-02-05. Review status: criteria provided, single submitter. Criteria: LabCorp Variant Classification Summary - May 2015. Collection method: clinical testing. Allele origin: germline.
Comment: Variant summary: MCM3AP c.5296+17dupG alters a non-conserved nucleotide located at a position not widely known to affect splicing. Consensus agreement among computation tools predict no significant impact on normal splicing. However, these predictions have yet to be confirmed by functional studies. The variant was absent in 229406 control chromosomes. The available data on variant occurrences in the general population are insufficient to allow any conclusion about variant significance. To our knowledge, no occurrence of c.5296+17dupG in individuals affected with Peripheral neuropathy, autosomal recessive, with or without impaired intellectual development and no experimental evidence demonstrating its impact on protein function have been reported. No submitters have cited clinical-significance assessments for this variant to ClinVar. Based on the evidence outlined above, the variant was classified as likely benign.